The following is an entry in ClinVar:

NM_000169.3(GLA):c.547+392T>A

Genes: GLA (galactosidase alpha; minus strand), RPL36A-HNRNPH2 (RPL36A-HNRNPH2 readthrough; plus strand). Cytogenetic location: Xq22.1.
Variant type: single nucleotide variant.
Coding change: c.547+392T>A on transcript NM_000169.3 (MANE Select); 392 bases into the intron after coding-DNA position 547, T replaced by A.
Molecular consequence: intron variant. On other transcripts: 3 prime UTR variant (1), non-coding transcript variant (1).
Genome position (GRCh38, 1-based): chrX:101,401,240, A>T on the plus strand (T>A on the coding strand, the complement: GLA is on the minus strand). VCF-style: chrX-101401240-A-T. GRCh37 (hg19) VCF-style: chrX-100656228-A-T.
Other names: c.*303T>A (NM_001406749.1); c.300+5783A>T (NM_001199973.2); c.177+9418A>T (NM_001199974.2); c.670+392T>A (NM_001406747.1); c.547+392T>A (NM_001406748.1).
Identifiers: ClinVar variation 4988281 (VCV004988281.1).
Genomic context (GRCh38, chrX:101,401,240, plus strand): 5'-TAAACTAGCAGCAGGGACAGGCAGTTGCTCTGTGCTTAAATTGTGTAAAGTACCTCCCAG[A>T]CTGCTGGGATTGTTCTGAGGAAGTAGTGCAGAGATGGTGTGTATATTGAGGAAAGGCAGG-3'

ClinVar aggregate classification (germline): Likely benign (1 of 4 stars; one submission).

Conditions:
GLA-related disorder. Also called: GLA-related condition.

gnomAD v4.1: 3 of 240,579 alleles (0.0012%); highest among the groups gnomAD compares: Non-Finnish European, 0.0023%; no homozygotes.

Submission:

PreventionGenetics, part of Exact Sciences
Classification: Likely benign for GLA-related condition. Last evaluated: 2026-06-03. Review status: criteria provided, single submitter. Criteria: ACMG Guidelines, 2015. Collection method: clinical testing. Allele origin: germline.
Comment: This variant is classified as likely benign based on ACMG/AMP sequence variant interpretation guidelines (Richards et al. 2015 PMID: 25741868, with internal and published modifications).